The following is an entry in ClinVar:

ClinVar aggregate classification (germline): Uncertain significance (1 of 4 stars; one submission).

Allele frequency attached by ClinVar (database versions not stated): gnomAD exomes below 0.00001 and 0.00001; gnomAD 0.00001; ExAC 0.00002.
gnomAD v4.1: 4 of 1,614,024 alleles (0.00025%); highest among the groups gnomAD compares: Non-Finnish European, 0.00025%; no homozygotes.

Submission:

Labcorp Genetics (formerly Invitae), Labcorp
Classification: Uncertain significance. Last evaluated: 2021-08-04. Review status: criteria provided, single submitter. Criteria: Invitae Variant Classification Sherloc (09022015). Collection method: clinical testing. Allele origin: germline.
Comment: In summary, the available evidence is currently insufficient to determine the role of this variant in disease. Therefore, it has been classified as a Variant of Uncertain Significance. Algorithms developed to predict the effect of missense changes on protein structure and function (SIFT, PolyPhen-2, Align-GVGD) all suggest that this variant is likely to be tolerated, but these predictions have not been confirmed by published functional studies and their clinical significance is uncertain. This variant has not been reported in the literature in individuals with MYO1E-related conditions. This variant is present in population databases (rs762700096, ExAC 0.003%). This sequence change replaces proline with arginine at codon 978 of the MYO1E protein (p.Pro978Arg). The proline residue is weakly conserved and there is a moderate physicochemical difference between proline and arginine.

NM_004998.4(MYO1E):c.2933C>G (p.Pro978Arg)

Gene: MYO1E (myosin IE; minus strand). Cytogenetic location: 15q22.2.
Variant type: single nucleotide variant.
Coding change: c.2933C>G on transcript NM_004998.4 (MANE Select); coding-DNA position 2933, C replaced by G.
Protein change: p.Pro978Arg; replaces proline 978 with arginine.
Molecular consequence: missense variant.
Genome position (GRCh38, 1-based): chr15:59,153,737, G>C on the plus strand (C>G on the coding strand, the complement: MYO1E is on the minus strand). VCF-style: chr15-59153737-G-C. GRCh37 (hg19) VCF-style: chr15-59445936-G-C.
Other names: short protein forms P978R.
Identifiers: ClinVar variation 1006645 (VCV001006645.8), dbSNP rs762700096, ClinGen allele CA7589073.